The following is an entry in ClinVar:

ClinVar aggregate classification (germline): Uncertain significance (1 of 4 stars; one submission).

Allele frequency attached by ClinVar (database versions not stated): gnomAD exomes below 0.00001; TOPMed below 0.00001.
gnomAD v4.1: 2 of 1,613,958 alleles (0.00012%); highest among the groups gnomAD compares: East Asian, 0.0045%; no homozygotes.

Submission:

Labcorp Genetics (formerly Invitae), Labcorp
Classification: Uncertain significance. Last evaluated: 2022-08-03. Review status: criteria provided, single submitter. Criteria: Invitae Variant Classification Sherloc (09022015). Collection method: clinical testing. Allele origin: germline.
Comment: This sequence change replaces cysteine, which is neutral and slightly polar, with tyrosine, which is neutral and polar, at codon 278 of the POLG2 protein (p.Cys278Tyr). This variant is present in population databases (no rsID available, gnomAD 0.006%). This variant has not been reported in the literature in individuals affected with POLG2-related conditions. Algorithms developed to predict the effect of missense changes on protein structure and function (SIFT, PolyPhen-2, Align-GVGD) all suggest that this variant is likely to be tolerated. In summary, the available evidence is currently insufficient to determine the role of this variant in disease. Therefore, it has been classified as a Variant of Uncertain Significance.

NM_007215.4(POLG2):c.833G>A (p.Cys278Tyr)

Genes: MILR1 (mast cell immunoglobulin like receptor 1; plus strand), POLG2 (DNA polymerase gamma 2, accessory subunit; minus strand). Cytogenetic location: 17q23.3.
Variant type: single nucleotide variant.
Coding change: c.833G>A on transcript NM_007215.4 (MANE Select); coding-DNA position 833, G replaced by A.
Protein change: p.Cys278Tyr; replaces cysteine 278 with tyrosine.
Molecular consequence: missense variant.
Genome position (GRCh38, 1-based): chr17:64,490,932, C>T on the plus strand (G>A on the coding strand, the complement: POLG2 is on the minus strand). VCF-style: chr17-64490932-C-T. GRCh37 (hg19) VCF-style: chr17-62487049-C-T.
Other names: short protein forms C278Y.
Identifiers: ClinVar variation 2099709 (VCV002099709.4), dbSNP rs1555668368, ClinGen allele CA400638700.
Genomic context (GRCh38, chr17:64,490,932, plus strand): 5'-TCCTTTCCCCAGGGAAAATTGTAGTAAAGTTTGTTTCCTTTCCGGCCTTCTTCATCCTGA[C>T]AGTCACTGCTGCTGAAGTTAGATGGACTCATGGCAAACTGGAAAAGAAAATTTAAGTTTG-3'
Protein context (NP_009146.2, residues 268-288): MSPSNFSSSD[Cys278Tyr]QDEEGRKGNK